The following is an entry in ClinVar:

NM_012470.4(TNPO3):c.395+206G>A

Gene: TNPO3 (transportin 3; minus strand). Cytogenetic location: 7q32.1.
Variant type: single nucleotide variant.
Coding change: c.395+206G>A on transcript NM_012470.4 (MANE Select); 206 bases into the intron after coding-DNA position 395, G replaced by A.
Molecular consequence: intron variant.
Genome position (GRCh38, 1-based): chr7:129,016,777, C>T on the plus strand (G>A on the coding strand, the complement: TNPO3 is on the minus strand). VCF-style: chr7-129016777-C-T. GRCh37 (hg19) VCF-style: chr7-128656831-C-T.
Other names: c.395+206G>A (NM_001382221.1, NM_001382222.1, NM_001382219.1 and 6 more transcripts).
Identifiers: ClinVar variation 670768 (VCV000670768.1), dbSNP rs3847099, ClinGen allele CA166224311.

ClinVar aggregate classification (germline): Benign (1 of 4 stars; one submission).

Allele frequency attached by ClinVar (database versions not stated): 1000 Genomes Project 30x 0.59541; 1000 Genomes Project 0.60024; TOPMed 0.62265; gnomAD 0.63606 and 0.63640.
gnomAD v4.1: 96,853 of 152,112 alleles (64%); highest among the groups gnomAD compares: Middle Eastern, 71%; 31,157 homozygotes.

Submission:

GeneDx
Classification: Benign. Last evaluated: 2018-06-14. Review status: criteria provided, single submitter. Criteria: GeneDx Variant Classification (06012015). Collection method: clinical testing. Allele origin: germline. Affected: yes.
Comment: This variant is considered likely benign or benign based on one or more of the following criteria: it is a conservative change, it occurs at a poorly conserved position in the protein, it is predicted to be benign by multiple in silico algorithms, and/or has population frequency not consistent with disease.